The following is an entry in ClinVar:

NM_013432.5(TONSL):c.2552G>A (p.Arg851Gln)

Genes: TONSL-AS1 (TONSL antisense RNA 1; plus strand), TONSL (tonsoku like, DNA repair protein; minus strand). Cytogenetic location: 8q24.3.
Variant type: single nucleotide variant.
Coding change: c.2552G>A on transcript NM_013432.5 (MANE Select); coding-DNA position 2552, G replaced by A.
Protein change: p.Arg851Gln; replaces arginine 851 with glutamine.
Molecular consequence: missense variant.
Genome position (GRCh38, 1-based): chr8:144,435,881, C>T on the plus strand (G>A on the coding strand, the complement: TONSL is on the minus strand). VCF-style: chr8-144435881-C-T. GRCh37 (hg19) VCF-style: chr8-145661264-C-T.
Other names: c.2552G>A (NM_013432.4); short protein forms R851Q.
Identifiers: ClinVar variation 1486034 (VCV001486034.9), dbSNP rs762451292, ClinGen allele CA4942784.

ClinVar aggregate classification (germline): Conflicting classifications of pathogenicity. Review status: criteria provided, conflicting classifications (1 of 4 stars). 2 submissions from 2 submitters: Uncertain significance (1); Likely benign (1). Last evaluated 2025-10-21.

Conditions:
Inborn genetic diseases. Identifiers: MedGen C0950123, MeSH D030342.

Allele frequency attached by ClinVar (database versions not stated): gnomAD 0.00001 and 0.00002; TOPMed 0.00001; ExAC 0.00002; gnomAD exomes 0.00002.
gnomAD v4.1: 40 of 1,595,198 alleles (0.0025%); highest among the groups gnomAD compares: Middle Eastern, 0.017%; no homozygotes.

Submissions (2):

Ambry Genetics
Classification: Likely benign for Inborn genetic diseases. Last evaluated: 2025-10-21. Review status: criteria provided, single submitter. Criteria: Ambry Variant Classification Scheme 2023. Collection method: clinical testing. Allele origin: germline.

Labcorp Genetics (formerly Invitae), Labcorp
Classification: Uncertain significance. Last evaluated: 2024-10-25. Review status: criteria provided, single submitter. Criteria: Invitae Variant Classification Sherloc (09022015). Collection method: clinical testing. Allele origin: germline.
Comment: This sequence change replaces arginine, which is basic and polar, with glutamine, which is neutral and polar, at codon 851 of the TONSL protein (p.Arg851Gln). This variant is present in population databases (rs762451292, gnomAD 0.006%). This variant has not been reported in the literature in individuals affected with TONSL-related conditions. ClinVar contains an entry for this variant (Variation ID: 1486034). Invitae Evidence Modeling of protein sequence and biophysical properties (such as structural, functional, and spatial information, amino acid conservation, physicochemical variation, residue mobility, and thermodynamic stability) indicates that this missense variant is not expected to disrupt TONSL protein function with a negative predictive value of 80%. In summary, the available evidence is currently insufficient to determine the role of this variant in disease. Therefore, it has been classified as a Variant of Uncertain Significance.